The following is an entry in ClinVar:

ClinVar aggregate classification (germline): Conflicting classifications of pathogenicity. Review status: criteria provided, conflicting classifications (1 of 4 stars). 2 submissions from 2 submitters: Uncertain significance (1); Likely benign (1). Last evaluated 2025-12-01.

Allele frequency attached by ClinVar (database versions not stated): gnomAD 0.00003; TOPMed 0.00006; gnomAD exomes 0.00008; ExAC 0.00013; 1000 Genomes Project 0.00020; 1000 Genomes Project 30x 0.00031.
gnomAD v4.1: 117 of 1,526,034 alleles (0.0077%); highest among the groups gnomAD compares: Middle Eastern, 0.086%; no homozygotes.

Submissions (2):

CeGaT Center for Human Genetics Tuebingen
Classification: Likely benign. Last evaluated: 2025-12-01. Review status: criteria provided, single submitter. Criteria: CeGaT Center For Human Genetics Tuebingen Variant Classification Criteria Version 2. Collection method: clinical testing. Allele origin: germline. Affected: yes. Observed: 2 variant alleles.
Comment: ZFHX4: BP4

Ambry Genetics
Classification: Uncertain significance. Last evaluated: 2023-04-18. Review status: criteria provided, single submitter. Criteria: Ambry Variant Classification Scheme 2023. Collection method: clinical testing. Allele origin: germline.

NM_024721.5(ZFHX4):c.3514A>T (p.Ile1172Leu)

Gene: ZFHX4 (zinc finger homeobox 4; plus strand). Cytogenetic location: 8q21.13.
Variant type: single nucleotide variant.
Coding change: c.3514A>T on transcript NM_024721.5 (MANE Select); coding-DNA position 3514, A replaced by T.
Protein change: p.Ile1172Leu; replaces isoleucine 1172 with leucine.
Molecular consequence: missense variant.
Genome position (GRCh38, 1-based): chr8:76,848,997, A>T. VCF-style: chr8-76848997-A-T. GRCh37 (hg19) VCF-style: chr8-77761233-A-T.
Other names: c.3436A>T, p.Ile1146Leu (NM_001410934.1); short protein forms I1172L, I1146L.
Identifiers: ClinVar variation 2560912 (VCV002560912.8), dbSNP rs540438938, ClinGen allele CA4787305.